The following is an entry in ClinVar:

ClinVar aggregate classification (germline): Uncertain significance (1 of 4 stars; one submission).

Conditions:
L-2-hydroxyglutaric aciduria (L2HGA). Identifiers: Orphanet 79314, MedGen C1855995, MONDO:0009370, OMIM 236792, HP:0040144.

Allele frequency attached by ClinVar (database versions not stated): gnomAD exomes below 0.00001.
gnomAD v4.1: 1 of 1,610,434 alleles (0.000062%); highest among the groups gnomAD compares: Non-Finnish European, 0.000085%; no homozygotes.

Submission:

Labcorp Genetics (formerly Invitae), Labcorp
Classification: Uncertain significance for L-2-hydroxyglutaric aciduria. Last evaluated: 2023-12-11. Review status: criteria provided, single submitter. Criteria: Invitae Variant Classification Sherloc (09022015). Collection method: clinical testing. Allele origin: germline.
Comment: This sequence change replaces tyrosine, which is neutral and polar, with histidine, which is basic and polar, at codon 7 of the L2HGDH protein (p.Tyr7His). This variant is not present in population databases (gnomAD no frequency). This variant has not been reported in the literature in individuals affected with L2HGDH-related conditions. ClinVar contains an entry for this variant (Variation ID: 1716915). An algorithm developed to predict the effect of missense changes on protein structure and function (PolyPhen-2) suggests that this variant is likely to be tolerated. In summary, the available evidence is currently insufficient to determine the role of this variant in disease. Therefore, it has been classified as a Variant of Uncertain Significance.

NM_024884.3(L2HGDH):c.19T>C (p.Tyr7His)

Genes: DMAC2L (distal membrane arm assembly component 2 like; plus strand), L2HGDH (L-2-hydroxyglutarate dehydrogenase; minus strand). Cytogenetic location: 14q21.3.
Variant type: single nucleotide variant.
Coding change: c.19T>C on transcript NM_024884.3 (MANE Select); coding-DNA position 19, T replaced by C.
Protein change: p.Tyr7His; replaces tyrosine 7 with histidine.
Molecular consequence: missense variant. On other transcripts: 5 prime UTR variant (6), intron variant (1).
Genome position (GRCh38, 1-based): chr14:50,312,132, A>G on the plus strand (T>C on the coding strand, the complement: L2HGDH is on the minus strand). VCF-style: chr14-50312132-A-G. GRCh37 (hg19) VCF-style: chr14-50778850-A-G.
Other names: c.19T>C, p.Tyr7His (NM_001425212.1); c.-236T>C (NM_001425213.1, NM_001425214.1); c.-750T>C (NM_001425215.1); c.-592T>C (NM_001425216.1); c.-685T>C (NM_001425217.1); c.-607T>C (NM_001425218.1); c.-6+278A>G (NM_001382509.1); short protein forms Y7H.
Identifiers: ClinVar variation 1716915 (VCV001716915.6), dbSNP rs2502586160, ClinGen allele CA389648936.